The following is an entry in ClinVar:

NM_000113.3(TOR1A):c.629G>A (p.Gly210Glu)

Gene: TOR1A (torsin family 1 member A; minus strand). Cytogenetic location: 9q34.11.
Variant type: single nucleotide variant.
Coding change: c.629G>A on transcript NM_000113.3 (MANE Select); coding-DNA position 629, G replaced by A.
Protein change: p.Gly210Glu; replaces glycine 210 with glutamic acid.
Molecular consequence: missense variant.
Genome position (GRCh38, 1-based): chr9:129,818,639, C>T on the plus strand (G>A on the coding strand, the complement: TOR1A is on the minus strand). VCF-style: chr9-129818639-C-T. GRCh37 (hg19) VCF-style: chr9-132580918-C-T.
Other names: short protein forms G210E.
Identifiers: ClinVar variation 1306824 (VCV001306824.2), dbSNP rs757198237, ClinGen allele CA5278591.

ClinVar aggregate classification (germline): Uncertain significance (1 of 4 stars; one submission).

Allele frequency attached by ClinVar (database versions not stated): gnomAD exomes below 0.00001; ExAC 0.00001.
gnomAD v4.1: 2 of 1,614,196 alleles (0.00012%); highest among the groups gnomAD compares: South Asian, 0.0022%; no homozygotes.

Submission:

GeneDx
Classification: Uncertain significance. Last evaluated: 2019-07-02. Review status: criteria provided, single submitter. Criteria: GeneDx Variant Classification Process June 2021. Collection method: clinical testing. Allele origin: germline. Affected: yes.
Comment: In silico analysis, which includes protein predictors and evolutionary conservation, supports a deleterious effect; Has not been previously published as pathogenic or benign to our knowledge